The following is an entry in ClinVar:

NM_000875.5(IGF1R):c.*4752G>T

Gene: IGF1R (insulin like growth factor 1 receptor; plus strand). Cytogenetic location: 15q26.3.
Variant type: single nucleotide variant.
Coding change: c.*4752G>T on transcript NM_000875.5 (MANE Select); 4752 bases downstream of the stop codon, G replaced by T.
Molecular consequence: 3 prime UTR variant.
Genome position (GRCh38, 1-based): chr15:98,962,194, G>T. VCF-style: chr15-98962194-G-T. GRCh37 (hg19) VCF-style: chr15-99505423-G-T.
Other names: c.*4752G>T (NM_001291858.2).
Identifiers: ClinVar variation 317589 (VCV000317589.6), dbSNP rs3743249, ClinGen allele CA10636829.
Genomic context (GRCh38, chr15:98,962,194, plus strand): 5'-GGGTGAGAAGGCTAGGATGCTTGTCTAGTGTTCTTAGCTGTCACGTTGGCTCCTTCCAGG[G>T]TGGCCAGACGGTGTTGGCCACTCCCTTCTAAAACACAGGCGCCCTCCTGGTGACAGTGAC-3'

ClinVar aggregate classification (germline): Benign. Review status: criteria provided, multiple submitters, no conflicts (2 of 4 stars). 2 submissions from 2 submitters: Benign (2). Last evaluated 2018-01-13.

Conditions:
Growth delay due to insulin-like growth factor I resistance. Also called: Somatomedin end-organ insensitivity to; Somatomedin-c resistance to; IGF-1 resistance; IGF-I RESISTANCE; Insulin-Like Growth Factor I Resistance. Identifiers: Orphanet 73273, MedGen C1849157, MONDO:0010038, OMIM 270450.

Allele frequency attached by ClinVar (database versions not stated): gnomAD 0.34298 and 0.34467; TOPMed 0.36140; 1000 Genomes Project 0.40156; 1000 Genomes Project 30x 0.40615.
gnomAD v4.1: 76,211 of 233,090 alleles (33%); highest among the groups gnomAD compares: African/African-American, 51%; 13,802 homozygotes.

Submissions (2):

Illumina Laboratory Services, Illumina
Classification: Benign for Growth delay due to insulin-like growth factor I resistance. Last evaluated: 2018-01-13. Review status: criteria provided, single submitter. Criteria: ICSL Variant Classification Criteria 13 December 2019. Collection method: clinical testing. Allele origin: germline.
Comment: This variant was observed in the ICSL laboratory as part of a predisposition screen in an ostensibly healthy population. It had not been previously curated by ICSL or reported in the Human Gene Mutation Database (HGMD: prior to June 1st, 2018), and was therefore a candidate for classification through an automated scoring system. Utilizing variant allele frequency, disease prevalence and penetrance estimates, and inheritance mode, an automated score was calculated to assess if this variant is too frequent to cause the disease. Based on the score and internal cut-off values, a variant classified as benign is not then subjected to further curation. The score for this variant resulted in a classification of benign for this disease.

Breakthrough Genomics
Classification: Benign. Review status: criteria provided, single submitter. Criteria: ACMG Guidelines, 2015. Collection method: not provided. Allele origin: germline. Inheritance: Autosomal dominant inheritance. Affected: yes.